The following is an entry in ClinVar:

ClinVar aggregate classification (germline): Likely pathogenic (1 of 4 stars; one submission).

Conditions:
Tuberous sclerosis 2 (TSC2). Identifiers: Orphanet 805, MedGen C1860707, MONDO:0013199, OMIM 613254.

Submission:

Labcorp Genetics (formerly Invitae), Labcorp
Classification: Likely pathogenic for Tuberous sclerosis 2. Last evaluated: 2020-10-27. Review status: criteria provided, single submitter. Criteria: Invitae Variant Classification Sherloc (09022015). Collection method: clinical testing. Allele origin: germline.
Comment: In summary, the currently available evidence indicates that the variant is pathogenic, but additional data are needed to prove that conclusively. Therefore, this variant has been classified as Likely Pathogenic. Algorithms developed to predict the effect of sequence changes on RNA splicing suggest that this variant may disrupt the consensus splice site, but this prediction has not been confirmed by published transcriptional studies. This variant has not been reported in the literature in individuals with TSC2-related conditions. This variant is not present in population databases (ExAC no frequency). This sequence change affects an acceptor splice site in intron 18 of the TSC2 gene. It is expected to disrupt RNA splicing. Variants that disrupt the donor or acceptor splice site typically lead to a loss of protein function (PMID: 16199547), and loss-of-function variants in TSC2 are known to be pathogenic (PMID: 10205261, 17304050).

Literature cited by the submitters: PubMed 16199547; PubMed 10205261; PubMed 17304050.

NM_000548.5(TSC2):c.1947-1G>T

Gene: TSC2 (TSC complex subunit 2; plus strand). Cytogenetic location: 16p13.3.
Variant type: single nucleotide variant.
Coding change: c.1947-1G>T on transcript NM_000548.5 (MANE Select); the canonical splice acceptor site of the intron before coding-DNA position 1947, G replaced by T.
Molecular consequence: splice acceptor variant.
Genome position (GRCh38, 1-based): chr16:2,071,783, G>T. VCF-style: chr16-2071783-G-T. GRCh37 (hg19) VCF-style: chr16-2121784-G-T.
Other names: c.603-1G>T (NM_001406695.1, NM_001406696.1, NM_001406693.1 and 6 more transcripts); c.1935-1G>T (NM_001406671.1, NM_001406673.1); c.1485-1G>T (NM_001406681.1); c.1836-1G>T (NM_001406670.1, NM_001318827.2, NM_001406678.1); c.1347-1G>T (NM_001406682.1, NM_001406684.1, NM_001406685.1 and 6 more transcripts); c.1890-1G>T (NM_001406677.1); c.1800-1G>T (NM_001406675.1, NM_001406676.1, NM_001318829.2 and 1 more transcripts); c.1980-1G>T (NM_001318832.2); and 3 more.
Identifiers: ClinVar variation 1484599 (VCV001484599.8), dbSNP rs397515310, ClinGen allele CA276737578.